The following is an entry in ClinVar:

NM_024706.5(ZNF668):c.270del (p.Lys91fs)

Gene: ZNF668 (zinc finger protein 668; minus strand). Cytogenetic location: 16p11.2.
Variant type: Deletion.
Coding change: c.270del on transcript NM_024706.5 (MANE Select); coding-DNA position 270, one base deleted (C; older notation c.270delC).
Protein change: p.Lys91fs; shifts the reading frame from lysine 91.
Molecular consequence: frameshift variant.
Genome position (GRCh38, 1-based): chr16:31,064,190, G deleted on the plus strand (C on the coding strand, the reverse complement: ZNF668 is on the minus strand); the first of 4 consecutive G bases (chr16:31,064,190-31,064,193); deleting any one gives the same sequence. VCF-style (leftmost placement, unchanged base first): chr16-31064189-TG-T. GRCh37 (hg19) VCF-style: chr16-31075510-TG-T.
Other names: c.270del, p.Lys91fs (NM_001172668.2, NM_001172670.2); c.339del, p.Lys114fs (NM_001172669.2); short protein forms K114fs, K91fs.
Identifiers: ClinVar variation 2172990 (VCV002172990.4), dbSNP rs2544024378, ClinGen allele CA2580091509.
Genomic context (GRCh38, chr16:31,064,189, plus strand): 5'-GCTTCTCCCCCGTGTGGCTGCGCCCGTGGCTGCGCAGCTCGGGTGCCGTCTTGTAGGCCT[TG>T]GGGCATAGCGGACACGCATAGGGCCTAGGCTTGGCCGCGGAGCCTGACACCTTCTCCCCA-3'

ClinVar aggregate classification (germline): Uncertain significance (1 of 4 stars; one submission).

Submission:

Labcorp Genetics (formerly Invitae), Labcorp
Classification: Uncertain significance. Last evaluated: 2022-08-18. Review status: criteria provided, single submitter. Criteria: Invitae Variant Classification Sherloc (09022015). Collection method: clinical testing. Allele origin: germline.
Comment: In summary, the available evidence is currently insufficient to determine the role of this variant in disease. Therefore, it has been classified as a Variant of Uncertain Significance. This sequence change creates a premature translational stop signal (p.Lys91Argfs*215) in the ZNF668 gene. While this is not anticipated to result in nonsense mediated decay, it is expected to disrupt the last 529 amino acid(s) of the ZNF668 protein. This variant is not present in population databases (gnomAD no frequency). This variant has not been reported in the literature in individuals affected with ZNF668-related conditions. Experimental studies and prediction algorithms are not available or were not evaluated, and the functional significance of this variant is currently unknown.